The following is an entry in ClinVar:

ClinVar aggregate classification (germline): Uncertain significance (1 of 4 stars; one submission).

Conditions:
TMEM165-congenital disorder of glycosylation. Also called: Congenital disorder of glycosylation type 2k; TMEM165-CDG; CDG IIk. Identifiers: Orphanet 314667, MedGen C3553571, MONDO:0013870, OMIM 614727.

Submission:

Labcorp Genetics (formerly Invitae), Labcorp
Classification: Uncertain significance for TMEM165-congenital disorder of glycosylation. Last evaluated: 2022-09-13. Review status: criteria provided, single submitter. Criteria: Invitae Variant Classification Sherloc (09022015). Collection method: clinical testing. Allele origin: germline.
Comment: In summary, the available evidence is currently insufficient to determine the role of this variant in disease. Therefore, it has been classified as a Variant of Uncertain Significance. Algorithms developed to predict the effect of missense changes on protein structure and function (SIFT, PolyPhen-2, Align-GVGD) all suggest that this variant is likely to be tolerated. ClinVar contains an entry for this variant (Variation ID: 1480813). This variant has not been reported in the literature in individuals affected with TMEM165-related conditions. This variant is not present in population databases (gnomAD no frequency). This sequence change replaces glutamic acid, which is acidic and polar, with glycine, which is neutral and non-polar, at codon 64 of the TMEM165 protein (p.Glu64Gly).

NM_018475.5(TMEM165):c.191A>G (p.Glu64Gly)

Genes: TMEM165 (transmembrane protein 165; plus strand), LOC129992613 (ATAC-STARR-seq lymphoblastoid silent region 15439; plus strand). Cytogenetic location: 4q12.
Variant type: single nucleotide variant.
Coding change: c.191A>G on transcript NM_018475.5 (MANE Select); coding-DNA position 191, A replaced by G.
Protein change: p.Glu64Gly; replaces glutamic acid 64 with glycine.
Molecular consequence: missense variant. On other transcripts: non-coding transcript variant (1).
Genome position (GRCh38, 1-based): chr4:55,396,380, A>G. VCF-style: chr4-55396380-A-G. GRCh37 (hg19) VCF-style: chr4-56262547-A-G.
Other names: short protein forms E64G.
Identifiers: ClinVar variation 1480813 (VCV001480813.6), dbSNP rs1720726251, ClinGen allele CA356958976.